The following is an entry in ClinVar:

NM_000747.3(CHRNB1):c.1481T>C (p.Leu494Ser)

Gene: CHRNB1 (cholinergic receptor nicotinic beta 1 subunit; plus strand). Cytogenetic location: 17p13.1.
Variant type: single nucleotide variant.
Coding change: c.1481T>C on transcript NM_000747.3 (MANE Select); coding-DNA position 1481, T replaced by C.
Protein change: p.Leu494Ser; replaces leucine 494 with serine.
Molecular consequence: missense variant.
Genome position (GRCh38, 1-based): chr17:7,456,698, T>C. VCF-style: chr17-7456698-T-C. GRCh37 (hg19) VCF-style: chr17-7360017-T-C.
Other names: short protein forms L494S.
Identifiers: ClinVar variation 2975859 (VCV002975859.3), dbSNP rs780315164, ClinGen allele CA8348080.

ClinVar aggregate classification (germline): Uncertain significance (1 of 4 stars; one submission).

Conditions:
Congenital myasthenic syndrome 2A. Also called: Myasthenic syndrome, congenital, 2a, slow-channel. Identifiers: Orphanet 590, MedGen C4225374, MONDO:0014581, OMIM 616313.

Allele frequency attached by ClinVar (database versions not stated): gnomAD exomes 0.00002; ExAC 0.00001.
gnomAD v4.1: 29 of 1,614,176 alleles (0.0018%); highest among the groups gnomAD compares: Non-Finnish European, 0.0025%; no homozygotes.

Submission:

Labcorp Genetics (formerly Invitae), Labcorp
Classification: Uncertain significance for Congenital myasthenic syndrome 2A. Last evaluated: 2025-08-04. Review status: criteria provided, single submitter. Criteria: Invitae Variant Classification Sherloc (09022015). Collection method: clinical testing. Allele origin: germline.
Comment: This sequence change replaces leucine, which is neutral and non-polar, with serine, which is neutral and polar, at codon 494 of the CHRNB1 protein (p.Leu494Ser). This variant is present in population databases (rs780315164, gnomAD 0.002%). This variant has not been reported in the literature in individuals affected with CHRNB1-related conditions. ClinVar contains an entry for this variant (Variation ID: 2975859). Invitae Evidence Modeling of protein sequence and biophysical properties (such as structural, functional, and spatial information, amino acid conservation, physicochemical variation, residue mobility, and thermodynamic stability) indicates that this missense variant is not expected to disrupt CHRNB1 protein function with a negative predictive value of 95%. In summary, the available evidence is currently insufficient to determine the role of this variant in disease. Therefore, it has been classified as a Variant of Uncertain Significance.